The following is an entry in ClinVar:

ClinVar aggregate classification (germline): Benign/Likely benign. Review status: criteria provided, multiple submitters, no conflicts (2 of 4 stars). 6 submissions from 6 submitters: Benign (4); Likely benign (2). Last evaluated 2026-02-04.

Conditions:
Methylmalonic acidemia with homocystinuria, type cblJ (MAHCJ). Also called: METHYLMALONIC ACIDURIA AND HOMOCYSTINURIA, cblJ TYPE. Identifiers: Orphanet 369955, MedGen C3553915, MONDO:0013925, OMIM 614857.

Allele frequency attached by ClinVar (database versions not stated): gnomAD exomes 0.00638 and 0.01670; ExAC 0.02060; gnomAD 0.06542 and 0.06981; 1000 Genomes Project 0.07268; TOPMed 0.07331; ESP Exome Variant Server 0.07466; 1000 Genomes Project 30x 0.07995.
gnomAD v4.1: 19,688 of 1,613,966 alleles (1.2%); highest among the groups gnomAD compares: African/African-American, 23%; 2,020 homozygotes.

Submissions (6):

Labcorp Genetics (formerly Invitae), Labcorp
Classification: Benign for Methylmalonic acidemia with homocystinuria, type cblJ. Last evaluated: 2026-02-04. Review status: criteria provided, single submitter. Criteria: Invitae Variant Classification Sherloc (09022015). Collection method: clinical testing. Allele origin: germline.

ARUP Laboratories, Molecular Genetics and Genomics, ARUP Laboratories
Classification: Benign for Methylmalonic acidemia with homocystinuria, type cblJ. Last evaluated: 2025-06-03. Review status: criteria provided, single submitter. Criteria: ARUP Molecular Germline Variant Investigation Process 2024. Collection method: clinical testing. Allele origin: germline.

Mayo Clinic Laboratories, Mayo Clinic
Classification: Benign. Last evaluated: 2022-07-26. Review status: criteria provided, single submitter. Criteria: ACMG Guidelines, 2015. Collection method: clinical testing. Allele origin: germline. Observed: 5 variant alleles.
Comment: BA1

Women's Health and Genetics/Laboratory Corporation of America, LabCorp
Classification: Likely benign. Last evaluated: 2021-12-10. Review status: criteria provided, single submitter. Criteria: LabCorp Variant Classification Summary - May 2015. Collection method: clinical testing. Allele origin: germline.

GeneDx
Classification: Benign. Last evaluated: 2016-02-23. Review status: criteria provided, single submitter. Criteria: GeneDx Variant Classification (06012015). Collection method: clinical testing. Allele origin: germline. Affected: yes.
Comment: This variant is considered likely benign or benign based on one or more of the following criteria: it is a conservative change, it occurs at a poorly conserved position in the protein, it is predicted to be benign by multiple in silico algorithms, and/or has population frequency not consistent with disease.

Breakthrough Genomics
Classification: Likely benign. Review status: criteria provided, single submitter. Criteria: ACMG Guidelines, 2015. Collection method: not provided. Allele origin: germline. Inheritance: Autosomal recessive inheritance. Affected: yes.

NM_005050.4(ABCD4):c.383C>T (p.Ala128Val)

Gene: ABCD4 (ATP binding cassette subfamily D member 4; minus strand). Cytogenetic location: 14q24.3.
Variant type: single nucleotide variant.
Coding change: c.383C>T on transcript NM_005050.4 (MANE Select); coding-DNA position 383, C replaced by T.
Protein change: p.Ala128Val; replaces alanine 128 with valine.
Molecular consequence: missense variant. On other transcripts: 5 prime UTR variant (12), non-coding transcript variant (8), intron variant (5).
Genome position (GRCh38, 1-based): chr14:74,297,972, G>A on the plus strand (C>T on the coding strand, the complement: ABCD4 is on the minus strand). VCF-style: chr14-74297972-G-A. GRCh37 (hg19) VCF-style: chr14-74764675-G-A.
Other names: p.Ala128Val; c.383C>T, p.Ala128Val (NM_001353591.2, NM_001353592.2, NM_020325.3); c.122C>T, p.Ala41Val (NM_001353593.2, NM_001353594.2); c.-27C>T (NM_001353595.2, NM_001353596.2, NM_001353597.2); c.-95C>T (NM_001353598.2, NM_001353600.2); c.-307C>T (NM_001353602.2); c.-312C>T (NM_001353603.2, NM_001353605.2, NM_001353606.2 and 3 more transcripts); c.-269-1523C>T (NM_001353604.2); and 2 more; short protein forms A128V, A41V.
Identifiers: ClinVar variation 380497 (VCV000380497.15), dbSNP rs61744947, ClinGen allele CA7267242.